The following is an entry in ClinVar:

NM_002016.2(FLG):c.10976C>A (p.Ser3659Tyr)

Genes: CCDST (cervical cancer associated DHX9 suppressive transcript; plus strand), FLG (filaggrin; minus strand). Cytogenetic location: 1q21.3.
Variant type: single nucleotide variant.
Coding change: c.10976C>A on transcript NM_002016.2 (MANE Select); coding-DNA position 10976, C replaced by A.
Protein change: p.Ser3659Tyr; replaces serine 3659 with tyrosine.
Molecular consequence: missense variant.
Genome position (GRCh38, 1-based): chr1:152,303,910, G>T on the plus strand (C>A on the coding strand, the complement: FLG is on the minus strand). VCF-style: chr1-152303910-G-T. GRCh37 (hg19) VCF-style: chr1-152276386-G-T.
Other names: short protein forms S3659Y.
Identifiers: ClinVar variation 3024959 (VCV003024959.22), dbSNP rs199655799, ClinGen allele CA1103103.

ClinVar aggregate classification (germline): Likely benign (1 of 4 stars; one submission).

Allele frequency attached by ClinVar (database versions not stated): ExAC 0.00031; gnomAD 0.00035.

Submission:

CeGaT Center for Human Genetics Tuebingen
Classification: Likely benign. Last evaluated: 2024-01-01. Review status: criteria provided, single submitter. Criteria: CeGaT Center For Human Genetics Tuebingen Variant Classification Criteria Version 2. Collection method: clinical testing. Allele origin: germline. Affected: yes. Observed: 1 variant allele.
Comment: FLG: BP4